The following is an entry in ClinVar:

ClinVar aggregate classification (germline): Uncertain significance. Review status: criteria provided, multiple submitters, no conflicts (2 of 4 stars). 7 submissions from 6 submitters: Uncertain significance (7). Last evaluated 2024-05-11.

Conditions:
Cardiovascular phenotype. Identifiers: MedGen CN230736.
RASopathy. Also called: rasopathies; Noonan spectrum disorder. Identifiers: Orphanet 536391, MedGen C5555857, MONDO:0021060.
Noonan syndrome 4 (NS4). Also called: NOONAN SYNDROME WITH PIGMENTED VILLONODULAR SYNOVITIS; SOS1-Related Noonan Syndrome. Identifiers: Orphanet 648, MedGen C1853120, MONDO:0012547, OMIM 610733.
Fibromatosis, gingival, 1 (GINGF1). Identifiers: Orphanet 2024, MedGen C4551558, MONDO:0007609, OMIM 135300.

gnomAD v4.1: 7 of 1,610,970 alleles (0.00043%); highest among the groups gnomAD compares: Non-Finnish European, 0.00059%; no homozygotes.

Submissions (7):

Ambry Genetics
Classification: Uncertain significance for Cardiovascular phenotype. Last evaluated: 2024-05-11. Review status: criteria provided, single submitter. Criteria: Ambry Variant Classification Scheme 2023. Collection method: clinical testing. Allele origin: germline.
Comment: The p.N830I variant (also known as c.2489A>T), located in coding exon 15 of the SOS1 gene, results from an A to T substitution at nucleotide position 2489. The asparagine at codon 830 is replaced by isoleucine, an amino acid with dissimilar properties. This amino acid position is conserved. In addition, the in silico prediction for this alteration is inconclusive. Based on the available evidence, the clinical significance of this variant remains unclear.

Labcorp Genetics (formerly Invitae), Labcorp
Classification: Uncertain significance for RASopathy. Last evaluated: 2024-01-18. Review status: criteria provided, single submitter. Criteria: Invitae Variant Classification Sherloc (09022015). Collection method: clinical testing. Allele origin: germline.
Comment: This sequence change replaces asparagine, which is neutral and polar, with isoleucine, which is neutral and non-polar, at codon 830 of the SOS1 protein (p.Asn830Ile). This variant is not present in population databases (gnomAD no frequency). This variant has not been reported in the literature in individuals affected with SOS1-related conditions. ClinVar contains an entry for this variant (Variation ID: 45352). Advanced modeling of protein sequence and biophysical properties (such as structural, functional, and spatial information, amino acid conservation, physicochemical variation, residue mobility, and thermodynamic stability) has been performed at Invitae for this missense variant, however the output from this modeling did not meet the statistical confidence thresholds required to predict the impact of this variant on SOS1 protein function. In summary, the available evidence is currently insufficient to determine the role of this variant in disease. Therefore, it has been classified as a Variant of Uncertain Significance.

Blueprint Genetics
Classification: Uncertain significance. Last evaluated: 2021-05-04. Review status: criteria provided, single submitter. Criteria: ACMG Guidelines, 2015. Collection method: clinical testing. Allele origin: germline.

Laboratory for Molecular Medicine, Mass General Brigham Personalized Medicine
Classification: Uncertain significance. Last evaluated: 2021-01-28. Review status: criteria provided, single submitter. Criteria: LMM Criteria. Collection method: clinical testing. Allele origin: germline. Observed: 3 variant alleles.
Comment: proposed classification - variant undergoing re-assessment, contact laboratory

GeneDx
Classification: Uncertain significance. Last evaluated: 2018-09-30. Review status: criteria provided, single submitter. Criteria: GeneDx Variant Classification Process June 2021. Collection method: clinical testing. Allele origin: germline. Affected: yes.
Comment: Not observed in large population cohorts (Lek et al., 2016); The majority of missense variants in this gene are considered pathogenic (Stenson et al., 2014); In silico analysis, which includes protein predictors and evolutionary conservation, supports a deleterious effect; Has not been previously published as pathogenic or benign to our knowledge

Genome-Nilou Lab
Classification: Uncertain significance for Noonan syndrome 4. Review status: criteria provided, single submitter. Criteria: ACMG Guidelines, 2015. Collection method: clinical testing. Allele origin: germline.

Genome-Nilou Lab
Classification: Uncertain significance for Fibromatosis, gingival, 1. Review status: criteria provided, single submitter. Criteria: ACMG Guidelines, 2015. Collection method: clinical testing. Allele origin: germline.

NM_005633.4(SOS1):c.2489A>T (p.Asn830Ile)

Gene: SOS1 (SOS Ras/Rac guanine nucleotide exchange factor 1; minus strand). Cytogenetic location: 2p22.1.
Variant type: single nucleotide variant.
Coding change: c.2489A>T on transcript NM_005633.4 (MANE Select); coding-DNA position 2489, A replaced by T.
Protein change: p.Asn830Ile; replaces asparagine 830 with isoleucine.
Molecular consequence: missense variant.
Genome position (GRCh38, 1-based): chr2:39,010,605, T>A on the plus strand (A>T on the coding strand, the complement: SOS1 is on the minus strand). VCF-style: chr2-39010605-T-A. GRCh37 (hg19) VCF-style: chr2-39237746-T-A.
Other names: c.2468A>T, p.Asn823Ile (NM_001382394.1); c.2489A>T, p.Asn830Ile (NM_001382395.1); short protein forms N830I, N823I.
Identifiers: ClinVar variation 45352 (VCV000045352.17), dbSNP rs397517158, ClinGen allele CA136104.
Genomic context (GRCh38, chr2:39,010,605, plus strand): 5'-CTGACAGCTATAAAATATAAGAATGCTAGGAATACTTACTTCTCAAACCACAGAGTGAGG[T>A]TGGTGGTATGTCGAATCATTTTCAGAAGATTAGGAGAGTTAATTTCTTTGTCTTCTTTTG-3'
Protein context (NP_005624.2, residues 820-840): NLLKMIRHTT[Asn830Ile]LTLWFEKCIV